The following is an entry in ClinVar:

NM_004637.6(RAB7A):c.467C>G (p.Ala156Gly)

Gene: RAB7A (RAB7A, member RAS oncogene family; plus strand). Cytogenetic location: 3q21.3.
Variant type: single nucleotide variant.
Coding change: c.467C>G on transcript NM_004637.6 (MANE Select); coding-DNA position 467, C replaced by G.
Protein change: p.Ala156Gly; replaces alanine 156 with glycine.
Molecular consequence: missense variant.
Genome position (GRCh38, 1-based): chr3:128,807,610, C>G. VCF-style: chr3-128807610-C-G. GRCh37 (hg19) VCF-style: chr3-128526453-C-G.
Other names: short protein forms A156G.
Identifiers: ClinVar variation 1057779 (VCV001057779.9), dbSNP rs2107616088, ClinGen allele CA354709452.

ClinVar aggregate classification (germline): Uncertain significance (1 of 4 stars; one submission).

Conditions:
Charcot-Marie-Tooth disease type 2B (CMT2B). Also called: HEREDITARY MOTOR AND SENSORY NEUROPATHY IIB; CHARCOT-MARIE-TOOTH DISEASE, AXONAL, TYPE 2B; CHARCOT-MARIE-TOOTH DISEASE, AUTOSOMAL DOMINANT, TYPE 2B; Charcot-Marie-Tooth Neuropathy Type 2B. Identifiers: Orphanet 99936, MedGen C1833219, MONDO:0010949, OMIM 600882.

Submission:

Labcorp Genetics (formerly Invitae), Labcorp
Classification: Uncertain significance for Charcot-Marie-Tooth disease type 2B. Last evaluated: 2023-03-24. Review status: criteria provided, single submitter. Criteria: Invitae Variant Classification Sherloc (09022015). Collection method: clinical testing. Allele origin: germline.
Comment: This variant is not present in population databases (gnomAD no frequency). In summary, the available evidence is currently insufficient to determine the role of this variant in disease. Therefore, it has been classified as a Variant of Uncertain Significance. This variant disrupts the p.Ala156 amino acid residue in RAB7A. Other variant(s) that disrupt this residue have been determined to be pathogenic (Invitae). This suggests that this residue is clinically significant, and that variants that disrupt this residue are likely to be disease-causing. An algorithm developed to predict the effect of missense changes on protein structure and function (PolyPhen-2) suggests that this variant is likely to be disruptive. ClinVar contains an entry for this variant (Variation ID: 1057779). This missense change has been observed in individual(s) with Charcot-Marie-Tooth disease (Invitae). This sequence change replaces alanine, which is neutral and non-polar, with glycine, which is neutral and non-polar, at codon 156 of the RAB7A protein (p.Ala156Gly).